The following is an entry in ClinVar:

ClinVar aggregate classification (germline): Uncertain significance (1 of 4 stars; one submission).

Conditions:
Neurodevelopmental disorder with language impairment and behavioral abnormalities. Also called: GRIA2-related neurodevelopmental disorder. Identifiers: MedGen C5394502, MONDO:0030060, OMIM 618917.

Allele frequency attached by ClinVar (database versions not stated): gnomAD exomes below 0.00001.
gnomAD v4.1: 3 of 1,610,332 alleles (0.00019%); highest among the groups gnomAD compares: East Asian, 0.0022%; no homozygotes.

Submission:

Illumina Laboratory Services, Illumina
Classification: Uncertain significance for GRIA2-related neurodevelopmental disorder. Last evaluated: 2019-12-12. Review status: criteria provided, single submitter. Criteria: ICSLVariantClassificationCriteria RUGD 01 April 2020. Collection method: clinical testing. Allele origin: unknown.
Comment: The GRIA2 c.1838C>T (p.Ser613Leu) variant is a missense variant. A literature search was performed for the gene, cDNA change, and amino acid change. No publications were found based on this search. This variant is not found in the Genome Aggregation Database despite good sequence coverage, so the variant is presumed to be rare. The variant appears to occur within a linker region between two transmembrane domains, which may be involved in pore formation (Salpietro et al. 2019). The variant occurs at a highly conserved residue and in silico tools generally predict the variant to be deleterious. Based on the limited evidence, the p.Ser613Leu variant is classified as a variant of unknown significance for GRIA2-related neurodevelopmental disorder.

Literature cited by the submitters: PubMed 31300657.

NM_001083619.3(GRIA2):c.1838C>T (p.Ser613Leu)

Gene: GRIA2 (glutamate ionotropic receptor AMPA type subunit 2; plus strand). Cytogenetic location: 4q32.1.
Variant type: single nucleotide variant.
Coding change: c.1838C>T on transcript NM_001083619.3 (MANE Select); coding-DNA position 1838, C replaced by T.
Protein change: p.Ser613Leu; replaces serine 613 with leucine.
Molecular consequence: missense variant.
Genome position (GRCh38, 1-based): chr4:157,336,741, C>T. VCF-style: chr4-157336741-C-T. GRCh37 (hg19) VCF-style: chr4-158257893-C-T.
Other names: c.1838C>T, p.Ser613Leu (NM_000826.6); c.1697C>T, p.Ser566Leu (NM_001083620.3, NM_001379000.3, NM_001379001.3); short protein forms S613L, S566L.
Identifiers: ClinVar variation 973325 (VCV000973325.4), dbSNP rs1735304432, ClinGen allele CA358648717.
Genomic context (GRCh38, chr4:157,336,741, plus strand): 5'-GGATTTTTAATAGTCTCTGGTTTTCCTTGGGTGCCTTTATGCAGCAAGGATGCGATATTT[C>T]GCCAAGGTTGGTTACTCACCTGCTTCAACTTTGTGCATTTCAGGTCTCAAGTGGACATTC-3'
Protein context (NP_001077088.2, residues 603-623): GAFMQQGCDI[Ser613Leu]PRSLSGRIVG